The following is an entry in ClinVar:

NM_201384.3(PLEC):c.2078T>G (p.Val693Gly)

Gene: PLEC (plectin; minus strand). Cytogenetic location: 8q24.3.
Variant type: single nucleotide variant.
Coding change: c.2078T>G on transcript NM_201384.3 (MANE Select); coding-DNA position 2078, T replaced by G.
Protein change: p.Val693Gly; replaces valine 693 with glycine.
Molecular consequence: missense variant.
Genome position (GRCh38, 1-based): chr8:143,932,134, A>C on the plus strand (T>G on the coding strand, the complement: PLEC is on the minus strand). VCF-style: chr8-143932134-A-C. GRCh37 (hg19) VCF-style: chr8-145006302-A-C.
Other names: c.2159T>G, p.Val720Gly (NM_000445.5); c.2036T>G, p.Val679Gly (NM_201378.4); c.2012T>G, p.Val671Gly (NM_201379.3); c.2489T>G, p.Val830Gly (NM_201380.4); c.1982T>G, p.Val661Gly (NM_201381.3); c.2078T>G, p.Val693Gly (NM_201382.4); c.2090T>G, p.Val697Gly (NM_201383.3); short protein forms V661G, V671G, V679G, V693G, V697G, V720G, V830G.
Identifiers: ClinVar variation 1215875 (VCV001215875.6), dbSNP rs1413877742, ClinGen allele CA372577201.

ClinVar aggregate classification (germline): Uncertain significance. Review status: criteria provided, multiple submitters, no conflicts (2 of 4 stars). 2 submissions from 2 submitters: Uncertain significance (2). Last evaluated 2025-06-30.

Conditions:
Inborn genetic diseases. Identifiers: MedGen C0950123, MeSH D030342.

Allele frequency attached by ClinVar (database versions not stated): gnomAD exomes below 0.00001; gnomAD 0.00001 and 0.00002.
gnomAD v4.1: 3 of 1,605,658 alleles (0.00019%); highest among the groups gnomAD compares: African/African-American, 0.0041%; no homozygotes.

Submissions (2):

Ambry Genetics
Classification: Uncertain significance for Inborn genetic diseases. Last evaluated: 2025-06-30. Review status: criteria provided, single submitter. Criteria: Ambry Variant Classification Scheme 2023. Collection method: clinical testing. Allele origin: germline.

GeneDx
Classification: Uncertain significance. Last evaluated: 2021-12-03. Review status: criteria provided, single submitter. Criteria: GeneDx Variant Classification Process June 2021. Collection method: clinical testing. Allele origin: germline. Affected: yes.
Comment: In silico analysis, which includes protein predictors and evolutionary conservation, supports a deleterious effect; In silico analysis, which includes splice predictors and evolutionary conservation, suggests this variant may impact gene splicing. In the absence of RNA/functional studies, the actual effect of this sequence change is unknown.; Missense variant in a gene in which most reported pathogenic variants are truncating/loss-of-function; Has not been previously published as pathogenic or benign to our knowledge; Not observed at a significant frequency in large population cohorts (Lek et al., 2016)